The following is an entry in ClinVar:

NM_001379451.1(BCORL1):c.3449A>G (p.Lys1150Arg)

Gene: BCORL1 (BCL6 corepressor like 1; plus strand). Cytogenetic location: Xq26.1.
Variant type: single nucleotide variant.
Coding change: c.3449A>G on transcript NM_001379451.1 (MANE Select); coding-DNA position 3449, A replaced by G.
Protein change: p.Lys1150Arg; replaces lysine 1150 with arginine.
Molecular consequence: missense variant.
Genome position (GRCh38, 1-based): chrX:130,020,992, A>G. VCF-style: chrX-130020992-A-G. GRCh37 (hg19) VCF-style: chrX-129154967-A-G.
Other names: c.3449A>G, p.Lys1150Arg (NM_001184772.3, NM_001379450.1, NM_021946.5); short protein forms K1150R.
Identifiers: ClinVar variation 1698257 (VCV001698257.2), dbSNP rs2124471072, ClinGen allele CA414595152.

ClinVar aggregate classification (germline): Uncertain significance (1 of 4 stars; one submission).

Allele frequency attached by ClinVar (database versions not stated): gnomAD exomes below 0.00001.
gnomAD v4.1: 1 of 1,170,027 alleles (0.000085%); highest among the groups gnomAD compares: African/African-American, 0.0018%; no homozygotes.

Submission:

GeneDx
Classification: Uncertain significance. Last evaluated: 2022-01-21. Review status: criteria provided, single submitter. Criteria: GeneDx Variant Classification Process June 2021. Collection method: clinical testing. Allele origin: germline. Affected: yes.
Comment: Not observed at significant frequency in large population cohorts (gnomAD); In silico analysis supports that this missense variant does not alter protein structure/function; Has not been previously published as pathogenic or benign to our knowledge